The following is an entry in ClinVar:

ClinVar aggregate classification (germline): Uncertain significance. Review status: criteria provided, multiple submitters, no conflicts (2 of 4 stars). 2 submissions from 2 submitters: Uncertain significance (2). Last evaluated 2024-10-16.

Allele frequency attached by ClinVar (database versions not stated): gnomAD exomes below 0.00001; ExAC 0.00001.
gnomAD v4.1: 1 of 1,614,118 alleles (0.000062%); no homozygotes.

Submissions (2):

Labcorp Genetics (formerly Invitae), Labcorp
Classification: Uncertain significance. Last evaluated: 2024-10-16. Review status: criteria provided, single submitter. Criteria: Invitae Variant Classification Sherloc (09022015). Collection method: clinical testing. Allele origin: germline.
Comment: This sequence change replaces cysteine, which is neutral and slightly polar, with phenylalanine, which is neutral and non-polar, at codon 491 of the ABCB4 protein (p.Cys491Phe). This variant is not present in population databases (gnomAD no frequency). This variant has not been reported in the literature in individuals affected with ABCB4-related conditions. ClinVar contains an entry for this variant (Variation ID: 287501). Invitae Evidence Modeling of protein sequence and biophysical properties (such as structural, functional, and spatial information, amino acid conservation, physicochemical variation, residue mobility, and thermodynamic stability) indicates that this missense variant is not expected to disrupt ABCB4 protein function with a negative predictive value of 80%. In summary, the available evidence is currently insufficient to determine the role of this variant in disease. Therefore, it has been classified as a Variant of Uncertain Significance.

Eurofins Ntd Llc (ga)
Classification: Uncertain significance. Last evaluated: 2016-04-13. Review status: criteria provided, single submitter. Criteria: EGL Classification Definitions 2015. Collection method: clinical testing. Allele origin: germline. Observed: 1 variant allele, 1 heterozygote.

NM_000443.4(ABCB4):c.1472G>T (p.Cys491Phe)

Gene: ABCB4 (ATP binding cassette subfamily B member 4; minus strand). Cytogenetic location: 7q21.12.
Variant type: single nucleotide variant.
Coding change: c.1472G>T on transcript NM_000443.4 (MANE Select); coding-DNA position 1472, G replaced by T.
Protein change: p.Cys491Phe; replaces cysteine 491 with phenylalanine.
Molecular consequence: missense variant.
Genome position (GRCh38, 1-based): chr7:87,440,287, C>A on the plus strand (G>T on the coding strand, the complement: ABCB4 is on the minus strand). VCF-style: chr7-87440287-C-A. GRCh37 (hg19) VCF-style: chr7-87069603-C-A.
Other names: c.1472G>T, p.Cys491Phe (NM_018849.3, NM_018850.3); short protein forms C491F.
Identifiers: ClinVar variation 287501 (VCV000287501.9), dbSNP rs750188186, ClinGen allele CA4327282.